The following is an entry in ClinVar:

ClinVar aggregate classification (germline): Uncertain significance. Review status: criteria provided, multiple submitters, no conflicts (2 of 4 stars). 2 submissions from 2 submitters: Uncertain significance (2). Last evaluated 2024-10-17.

Conditions:
Inborn genetic diseases. Identifiers: MedGen C0950123, MeSH D030342.

Submissions (2):

Labcorp Genetics (formerly Invitae), Labcorp
Classification: Uncertain significance. Last evaluated: 2024-10-17. Review status: criteria provided, single submitter. Criteria: Invitae Variant Classification Sherloc (09022015). Collection method: clinical testing. Allele origin: germline.
Comment: This sequence change replaces isoleucine, which is neutral and non-polar, with methionine, which is neutral and non-polar, at codon 1471 of the FAT4 protein (p.Ile1471Met). This variant is not present in population databases (gnomAD no frequency). This variant has not been reported in the literature in individuals affected with FAT4-related conditions. ClinVar contains an entry for this variant (Variation ID: 1348466). Invitae Evidence Modeling of protein sequence and biophysical properties (such as structural, functional, and spatial information, amino acid conservation, physicochemical variation, residue mobility, and thermodynamic stability) has been performed for this missense variant. However, the output from this modeling did not meet the statistical confidence thresholds required to predict the impact of this variant on FAT4 protein function. In summary, the available evidence is currently insufficient to determine the role of this variant in disease. Therefore, it has been classified as a Variant of Uncertain Significance.

Ambry Genetics
Classification: Uncertain significance for Inborn genetic diseases. Last evaluated: 2022-06-27. Review status: criteria provided, single submitter. Criteria: Ambry Variant Classification Scheme 2023. Collection method: clinical testing. Allele origin: germline.

NM_001291303.3(FAT4):c.4413A>G (p.Ile1471Met)

Gene: FAT4 (FAT atypical cadherin 4; plus strand). Cytogenetic location: 4q28.1.
Variant type: single nucleotide variant.
Coding change: c.4413A>G on transcript NM_001291303.3 (MANE Select); coding-DNA position 4413, A replaced by G.
Protein change: p.Ile1471Met; replaces isoleucine 1471 with methionine.
Molecular consequence: missense variant.
Genome position (GRCh38, 1-based): chr4:125,320,824, A>G. VCF-style: chr4-125320824-A-G. GRCh37 (hg19) VCF-style: chr4-126241979-A-G.
Other names: c.4413A>G, p.Ile1471Met (NM_001291285.3, NM_024582.6); c.4413A>G (NM_024582.4); short protein forms I1471M.
Identifiers: ClinVar variation 1348466 (VCV001348466.9), dbSNP rs2125945055, ClinGen allele CA358126358.